The following is an entry in ClinVar:

ClinVar aggregate classification (germline): Pathogenic (1 of 4 stars; one submission).

Conditions:
Cardiovascular phenotype. Identifiers: MedGen CN230736.
Hereditary cancer-predisposing syndrome. Also called: Hereditary Cancer Syndrome; Hereditary neoplastic syndrome; Neoplastic Syndromes, Hereditary; Tumor predisposition. Identifiers: Orphanet 140162, MedGen C0027672, MeSH D009386, MONDO:0015356.

Submission:

Ambry Genetics
Classification: Pathogenic for Cardiovascular phenotype; Hereditary cancer-predisposing syndrome. Last evaluated: 2018-06-11. Review status: criteria provided, single submitter. Criteria: Ambry Variant Classification Scheme 2023. Collection method: clinical testing. Allele origin: germline.
Comment: The c.937_938dupAG pathogenic mutation, located in coding exon 9 of the NF1 gene, results from a duplication of AG at nucleotide position 937, causing a translational frameshift with a predicted alternate stop codon (p.S313Rfs*5). This alteration is expected to result in loss of function by premature protein truncation or nonsense-mediated mRNA decay. As such, this alteration is interpreted as a disease-causing mutation.

NM_001042492.3(NF1):c.937_938dup (p.Ser313fs)

Gene: NF1 (neurofibromin 1; plus strand). Cytogenetic location: 17q11.2.
Variant type: Duplication.
Coding change: c.937_938dup on transcript NM_001042492.3 (MANE Select); coding-DNA positions 937 to 938, 2 bases duplicated (AG; older notation c.937_938dupAG).
Protein change: p.Ser313fs; shifts the reading frame from serine 313.
Molecular consequence: frameshift variant.
Genome position (GRCh38, 1-based): chr17:31,200,470-31,200,471, AG duplicated. VCF-style (leftmost placement, unchanged base first): chr17-31200469-A-AAG. GRCh37 (hg19) VCF-style: chr17-29527487-A-AAG.
Other names: c.937_938dup, p.Ser313Argfs (NM_000267.4); c.937_938dup, p.Ser313fs (NM_001128147.3); c.937_938dupAG (NM_000267.3); short protein forms S313fs.
Identifiers: ClinVar variation 1766719 (VCV001766719.2), dbSNP rs2544793633, ClinGen allele CA2580092809.
Genomic context (GRCh38, chr17:31,200,469, plus strand): 5'-TTGAATTCTGTAGAAGTTATTTCTGGACAGTCTACGAAAAGCTCTTGCTGGCCATGGAGG[A>AAG]AGTAGGCAGCTGACAGAAAGTGCTGCAATTGCCTGTGTCAAACTGTGTAAAGCAAGTACT-3'